The following is an entry in ClinVar:

NM_014365.3(HSPB8):c.244C>A (p.Pro82Thr)

Gene: HSPB8 (heat shock protein family B (small) member 8; plus strand). Cytogenetic location: 12q24.23.
Variant type: single nucleotide variant.
Coding change: c.244C>A on transcript NM_014365.3 (MANE Select); coding-DNA position 244, C replaced by A.
Protein change: p.Pro82Thr; replaces proline 82 with threonine.
Molecular consequence: missense variant.
Genome position (GRCh38, 1-based): chr12:119,179,556, C>A. VCF-style: chr12-119179556-C-A. GRCh37 (hg19) VCF-style: chr12-119617361-C-A.
Other names: short protein forms P82T.
Identifiers: ClinVar variation 4776932 (VCV004776932.1).

ClinVar aggregate classification (germline): Uncertain significance (1 of 4 stars; one submission).

Conditions:
Charcot-Marie-Tooth disease axonal type 2L. Also called: CHARCOT-MARIE-TOOTH DISEASE, AXONAL, AUTOSOMAL DOMINANT, TYPE 2L; CHARCOT-MARIE-TOOTH NEUROPATHY, AXONAL, TYPE 2L; Charcot-Marie-Tooth Neuropathy Type 2L. Identifiers: Orphanet 99945, MedGen C1837552, MONDO:0012096, OMIM 608673.

gnomAD v4.1: 5 of 1,613,386 alleles (0.00031%); highest among the groups gnomAD compares: Non-Finnish European, 0.00042%; no homozygotes.

Submission:

Labcorp Genetics (formerly Invitae), Labcorp
Classification: Uncertain significance for Charcot-Marie-Tooth disease axonal type 2L. Last evaluated: 2025-07-15. Review status: criteria provided, single submitter. Criteria: Invitae Variant Classification Sherloc (09022015). Collection method: clinical testing. Allele origin: germline.
Comment: This sequence change replaces proline, which is neutral and non-polar, with threonine, which is neutral and polar, at codon 82 of the HSPB8 protein (p.Pro82Thr). This variant is present in population databases (rs756519750, gnomAD 0.002%). This variant has not been reported in the literature in individuals affected with HSPB8-related conditions. An algorithm developed to predict the effect of missense changes on protein structure and function (PolyPhen-2) suggests that this variant is likely to be tolerated. In summary, the available evidence is currently insufficient to determine the role of this variant in disease. Therefore, it has been classified as a Variant of Uncertain Significance.